The following is an entry in ClinVar:

NM_001042492.3(NF1):c.3272A>G (p.Asp1091Gly)

Gene: NF1 (neurofibromin 1; plus strand). Cytogenetic location: 17q11.2.
Variant type: single nucleotide variant.
Coding change: c.3272A>G on transcript NM_001042492.3 (MANE Select); coding-DNA position 3272, A replaced by G.
Protein change: p.Asp1091Gly; replaces aspartic acid 1091 with glycine.
Molecular consequence: missense variant.
Genome position (GRCh38, 1-based): chr17:31,232,147, A>G. VCF-style: chr17-31232147-A-G. GRCh37 (hg19) VCF-style: chr17-29559165-A-G.
Other names: c.3272A>G, p.Asp1091Gly (NM_000267.4); short protein forms D1091G.
Identifiers: ClinVar variation 3006247 (VCV003006247.4), dbSNP rs2067123751, ClinGen allele CA398988846.

ClinVar aggregate classification (germline): Uncertain significance. Review status: criteria provided, multiple submitters, no conflicts (2 of 4 stars). 2 submissions from 2 submitters: Uncertain significance (2). Last evaluated 2026-06-13.

Conditions:
Neurofibromatosis, type 1 (NF1). Also called: VON RECKLINGHAUSEN DISEASE; NEUROFIBROMATOSIS, TYPE I, SOMATIC; Peripheral type neurofibromatosis; Neurofibromatosis, type I. Identifiers: Orphanet 636, MedGen C0027831, MONDO:0018975, OMIM 162200. Disease mechanism: loss of function.

Submissions (2):

Women's Health and Genetics/Laboratory Corporation of America, LabCorp
Classification: Uncertain significance. Last evaluated: 2026-06-13. Review status: criteria provided, single submitter. Criteria: LabCorp Variant Classification Summary - May 2015. Collection method: clinical testing. Allele origin: germline.
Comment: Variant summary: NF1 c.3272A>G (p.Asp1091Gly) results in a non-conservative amino acid change in the encoded protein sequence. Algorithms developed to predict the effect of missense changes on protein structure and function are either unavailable or do not agree on the potential impact of this missense change. The variant was absent in 251152 control chromosomes. The available data on variant occurrences in the general population are insufficient to allow any conclusion about variant significance. To our knowledge, no occurrence of c.3272A>G in individuals affected with NF1-related conditions and no experimental evidence demonstrating its impact on protein function have been reported. ClinVar contains an entry for this variant (Variation ID: 3006247). Based on the evidence outlined above, the variant was classified as uncertain significance.

Labcorp Genetics (formerly Invitae), Labcorp
Classification: Uncertain significance for Neurofibromatosis, type 1. Last evaluated: 2023-11-03. Review status: criteria provided, single submitter. Criteria: Invitae Variant Classification Sherloc (09022015). Collection method: clinical testing. Allele origin: germline.
Comment: This sequence change replaces aspartic acid, which is acidic and polar, with glycine, which is neutral and non-polar, at codon 1091 of the NF1 protein (p.Asp1091Gly). This variant is not present in population databases (gnomAD no frequency). This variant has not been reported in the literature in individuals affected with NF1-related conditions. Advanced modeling of protein sequence and biophysical properties (such as structural, functional, and spatial information, amino acid conservation, physicochemical variation, residue mobility, and thermodynamic stability) performed at Invitae indicates that this missense variant is expected to disrupt NF1 protein function with a positive predictive value of 95%. In summary, the available evidence is currently insufficient to determine the role of this variant in disease. Therefore, it has been classified as a Variant of Uncertain Significance.